The following is an entry in ClinVar:

ClinVar aggregate classification (germline): Pathogenic (1 of 4 stars; one submission).

Conditions:
Hereditary cancer-predisposing syndrome. Also called: Tumor predisposition; Hereditary neoplastic syndrome; Neoplastic Syndromes, Hereditary; Hereditary Cancer Syndrome. Identifiers: Orphanet 140162, MedGen C0027672, MeSH D009386, MONDO:0015356.

Submission:

Ambry Genetics
Classification: Pathogenic for Hereditary cancer-predisposing syndrome. Last evaluated: 2025-04-14. Review status: criteria provided, single submitter. Criteria: Ambry Variant Classification Scheme 2023. Collection method: clinical testing. Allele origin: germline.
Comment: The c.4558delA pathogenic mutation, located in coding exon 10 of the BRCA2 gene, results from a deletion of one nucleotide at nucleotide position 4558, causing a translational frameshift with a predicted alternate stop codon (p.T1520Lfs*23). This variant is considered to be rare based on population cohorts in the Genome Aggregation Database (gnomAD). This alteration is expected to result in loss of function by premature protein truncation or nonsense-mediated mRNA decay. As such, this alteration is interpreted as a disease-causing mutation.

NM_000059.4(BRCA2):c.4558del (p.Thr1520fs)

Gene: BRCA2 (BRCA2 DNA repair associated; plus strand). Cytogenetic location: 13q13.1.
Variant type: Deletion.
Coding change: c.4558del on transcript NM_000059.4 (MANE Select); coding-DNA position 4558, one base deleted (A; older notation c.4558delA).
Protein change: p.Thr1520fs; shifts the reading frame from threonine 1520.
Molecular consequence: frameshift variant. On other transcripts: non-coding transcript variant (1), intron variant (2).
Genome position (GRCh38, 1-based): chr13:32,338,913, A deleted. VCF-style (leftmost placement, unchanged base first): chr13-32338912-TA-T. GRCh37 (hg19) VCF-style: chr13-32913049-TA-T.
Other names: c.4558del, p.Thr1520fs (NM_001406719.1, NM_001406720.1, NM_001432077.1); c.1909+5526del (NM_001406721.1); c.425-5645del (NM_001406722.1); short protein forms T1520fs.
Identifiers: ClinVar variation 3992764 (VCV003992764.1).